The following is an entry in ClinVar:

NM_021927.3(GUF1):c.1550C>T (p.Pro517Leu)

Gene: GUF1 (GTP binding elongation factor GUF1; plus strand). Cytogenetic location: 4p12.
Variant type: single nucleotide variant.
Coding change: c.1550C>T on transcript NM_021927.3 (MANE Select); coding-DNA position 1550, C replaced by T.
Protein change: p.Pro517Leu; replaces proline 517 with leucine.
Molecular consequence: missense variant.
Genome position (GRCh38, 1-based): chr4:44,691,736, C>T. VCF-style: chr4-44691736-C-T. GRCh37 (hg19) VCF-style: chr4-44693753-C-T.
Other names: c.578C>T, p.Pro193Leu (NM_001345867.2, NM_001345869.2); c.1550C>T, p.Pro517Leu (NM_001345868.2); short protein forms P193L, P517L.
Identifiers: ClinVar variation 3699121 (VCV003699121.2).

ClinVar aggregate classification (germline): Uncertain significance (1 of 4 stars; one submission).

gnomAD v4.1: 9 of 1,581,180 alleles (0.00057%); highest among the groups gnomAD compares: South Asian, 0.0011%; no homozygotes.

Submission:

Labcorp Genetics (formerly Invitae), Labcorp
Classification: Uncertain significance. Last evaluated: 2024-11-29. Review status: criteria provided, single submitter. Criteria: Invitae Variant Classification Sherloc (09022015). Collection method: clinical testing. Allele origin: germline.
Comment: This sequence change replaces proline, which is neutral and non-polar, with leucine, which is neutral and non-polar, at codon 517 of the GUF1 protein (p.Pro517Leu). This variant is present in population databases (rs754078916, gnomAD 0.002%). This variant has not been reported in the literature in individuals affected with GUF1-related conditions. Invitae Evidence Modeling of protein sequence and biophysical properties (such as structural, functional, and spatial information, amino acid conservation, physicochemical variation, residue mobility, and thermodynamic stability) indicates that this missense variant is expected to disrupt GUF1 protein function with a positive predictive value of 80%. In summary, the available evidence is currently insufficient to determine the role of this variant in disease. Therefore, it has been classified as a Variant of Uncertain Significance.